The following is an entry in ClinVar:

ClinVar aggregate classification (germline): Uncertain significance (1 of 4 stars; one submission).

gnomAD v4.1: 6 of 1,614,200 alleles (0.00037%); highest among the groups gnomAD compares: Non-Finnish European, 0.00051%; no homozygotes.

Submission:

Labcorp Genetics (formerly Invitae), Labcorp
Classification: Uncertain significance. Last evaluated: 2024-04-29. Review status: criteria provided, single submitter. Criteria: Invitae Variant Classification Sherloc (09022015). Collection method: clinical testing. Allele origin: germline.
Comment: This sequence change replaces aspartic acid, which is acidic and polar, with tyrosine, which is neutral and polar, at codon 65 of the SRCAP protein (p.Asp65Tyr). This variant is present in population databases (rs370333025, gnomAD 0.003%). This variant has not been reported in the literature in individuals affected with SRCAP-related conditions. Advanced modeling of protein sequence and biophysical properties (such as structural, functional, and spatial information, amino acid conservation, physicochemical variation, residue mobility, and thermodynamic stability) performed at Invitae indicates that this missense variant is not expected to disrupt SRCAP protein function with a negative predictive value of 80%. In summary, the available evidence is currently insufficient to determine the role of this variant in disease. Therefore, it has been classified as a Variant of Uncertain Significance.

NM_006662.3(SRCAP):c.193G>T (p.Asp65Tyr)

Gene: SRCAP (Snf2 related CREBBP activator protein; plus strand). Cytogenetic location: 16p11.2.
Variant type: single nucleotide variant.
Coding change: c.193G>T on transcript NM_006662.3 (MANE Select); coding-DNA position 193, G replaced by T.
Protein change: p.Asp65Tyr; replaces aspartic acid 65 with tyrosine.
Molecular consequence: missense variant.
Genome position (GRCh38, 1-based): chr16:30,704,202, G>T. VCF-style: chr16-30704202-G-T. GRCh37 (hg19) VCF-style: chr16-30715523-G-T.
Other names: short protein forms D65Y.
Identifiers: ClinVar variation 3611027 (VCV003611027.2).